The following is an entry in ClinVar:

ClinVar aggregate classification (germline): Uncertain significance. Review status: criteria provided, multiple submitters, no conflicts (2 of 4 stars). 2 submissions from 2 submitters: Uncertain significance (2). Last evaluated 2025-10-30.

Conditions:
Familial cancer of breast. Also called: hereditary breast carcinoma; Hereditary breast cancer; BREAST CANCER, FAMILIAL. Identifiers: Orphanet 227535, MedGen C0346153, MONDO:0016419, OMIM 114480. Disease mechanism: loss of function.
Hereditary cancer-predisposing syndrome. Also called: Hereditary Cancer Syndrome; Tumor predisposition; Hereditary neoplastic syndrome; Neoplastic Syndromes, Hereditary. Identifiers: Orphanet 140162, MedGen C0027672, MeSH D009386, MONDO:0015356.

Submissions (2):

Ambry Genetics
Classification: Uncertain significance for Hereditary cancer-predisposing syndrome. Last evaluated: 2025-10-30. Review status: criteria provided, single submitter. Criteria: Ambry Variant Classification Scheme 2023. Collection method: clinical testing. Allele origin: germline.
Comment: The p.A291V variant (also known as c.872C>T), located in coding exon 4 of the PALB2 gene, results from a C to T substitution at nucleotide position 872. The alanine at codon 291 is replaced by valine, an amino acid with similar properties. This amino acid position is well conserved in available vertebrate species. In addition, this alteration is predicted to be tolerated by in silico analysis. Since supporting evidence is limited at this time, the clinical significance of this alteration remains unclear.

Labcorp Genetics (formerly Invitae), Labcorp
Classification: Uncertain significance for Familial cancer of breast. Last evaluated: 2025-10-26. Review status: criteria provided, single submitter. Criteria: Invitae Variant Classification Sherloc (09022015). Collection method: clinical testing. Allele origin: germline.
Comment: This sequence change replaces alanine, which is neutral and non-polar, with valine, which is neutral and non-polar, at codon 291 of the PALB2 protein (p.Ala291Val). This variant is not present in population databases (gnomAD no frequency). This variant has not been reported in the literature in individuals affected with PALB2-related conditions. ClinVar contains an entry for this variant (Variation ID: 647738). An algorithm developed to predict the effect of missense changes on protein structure and function outputs the following: PolyPhen-2: "Benign". The valine amino acid residue is found in multiple mammalian species, which suggests that this missense change does not adversely affect protein function. In summary, the available evidence is currently insufficient to determine the role of this variant in disease. Therefore, it has been classified as a Variant of Uncertain Significance.

NM_024675.4(PALB2):c.872C>T (p.Ala291Val)

Gene: PALB2 (partner and localizer of BRCA2; minus strand). Cytogenetic location: 16p12.2.
Variant type: single nucleotide variant.
Coding change: c.872C>T on transcript NM_024675.4 (MANE Select); coding-DNA position 872, C replaced by T.
Protein change: p.Ala291Val; replaces alanine 291 with valine.
Molecular consequence: missense variant.
Genome position (GRCh38, 1-based): chr16:23,635,674, G>A on the plus strand (C>T on the coding strand, the complement: PALB2 is on the minus strand). VCF-style: chr16-23635674-G-A. GRCh37 (hg19) VCF-style: chr16-23646995-G-A.
Other names: short protein forms A291V.
Identifiers: ClinVar variation 647738 (VCV000647738.12), dbSNP rs1411140246, ClinGen allele CA395135777.